The following is an entry in ClinVar:

NM_133433.4(NIPBL):c.7685+6G>C

Gene: NIPBL (NIPBL cohesin loading factor; plus strand). Cytogenetic location: 5p13.2.
Variant type: single nucleotide variant.
Coding change: c.7685+6G>C on transcript NM_133433.4 (MANE Select); 6 bases into the intron after coding-DNA position 7685, G replaced by C.
Molecular consequence: intron variant.
Genome position (GRCh38, 1-based): chr5:37,059,171, G>C. VCF-style: chr5-37059171-G-C. GRCh37 (hg19) VCF-style: chr5-37059273-G-C.
Other names: c.7685+6G>C (NM_015384.5, NM_001438586.1).
Identifiers: ClinVar variation 4760786 (VCV004760786.1).

ClinVar aggregate classification (germline): Uncertain significance (1 of 4 stars; one submission).

Conditions:
Cornelia de Lange syndrome 1 (CDLS1). Also called: TYPUS DEGENERATIVUS AMSTELODAMENSIS; Brachmann de Lange syndrome; NIPBL-Related Cornelia de Lange Syndrome. Identifiers: Orphanet 199, MedGen C4551851, MONDO:0007387, OMIM 122470.

gnomAD v4.1: 3 of 1,613,884 alleles (0.00019%); highest among the groups gnomAD compares: Non-Finnish European, 0.00025%; no homozygotes.

Submission:

Labcorp Genetics (formerly Invitae), Labcorp
Classification: Uncertain significance for Cornelia de Lange syndrome 1. Last evaluated: 2025-08-05. Review status: criteria provided, single submitter. Criteria: Invitae Variant Classification Sherloc (09022015). Collection method: clinical testing. Allele origin: germline.
Comment: This sequence change falls in intron 44 of the NIPBL gene. It does not directly change the encoded amino acid sequence of the NIPBL protein. It affects a nucleotide within the consensus splice site. This variant is not present in population databases (gnomAD no frequency). This variant has not been reported in the literature in individuals affected with NIPBL-related conditions. Variants that disrupt the consensus splice site are a relatively common cause of aberrant splicing (PMID: 17576681, 9536098). Algorithms developed to predict the effect of sequence changes on RNA splicing suggest that this variant is not likely to affect RNA splicing. In summary, the available evidence is currently insufficient to determine the role of this variant in disease. Therefore, it has been classified as a Variant of Uncertain Significance.

Literature cited by the submitters: PubMed 17576681; PubMed 9536098.